The following continues an entry in ClinVar:

NM_017739.4(POMGNT1):c.1539+1G>A

ClinVar aggregate classification (germline): Pathogenic. Pathogenic (25).

Submissions 11 to 22 of 33:

Broad Center for Mendelian Genomics, Broad Institute of MIT and Harvard
Classification: Pathogenic for Muscular dystrophy-dystroglycanopathy. Last evaluated: 2023-01-24. Review status: criteria provided, single submitter. Criteria: ACMG Guidelines, 2015. Collection method: curation. Allele origin: germline. Inheritance: Autosomal recessive inheritance.
Comment: The c.1539+1G>A variant in POMGNT1 has been reported in many individuals with muscular dystrophy-dystroglycanopathy (PMID: 17559086, 12588800, 22323514, 26013959, 1790688, 16427280, 11709191), and has been identified in 0.2% (49/25102) of European (Finnish) chromosomes by the Genome Aggregation Database (gnomAD; dbSNP ID: dbSNP ID rs138642840). Although this variant has been seen in the general population in a heterozygous state, its frequency is not high enough to rule out a pathogenic role. This variant has also been reported in ClinVar (Variation ID #56582) and has been interpreted as pathogenic by multiple labs and of uncertain significance by Institute of Human Genetics (University of Leipzig Medical Center). Of the multiple affected individuals, at least 2 were homozygotes, and multiple were compound heterozygotes that carried reported pathogenic/likely pathogenic variants in trans, which increases the likelihood that the c.1539+1G>A variant is pathogenic (PMID: 17559086, 11709191, 6427280, 12588800, 26013959, 17906881). RT-PCR analysis performed on patient skeletal muscle showed altered splicing with transcripts having exon 17 skipping or intron retention leading to premature termination (PMID: 11709191). In vitro functional studies provide some evidence that the c.1539+1G>A variant may impact protein function (PMID: 11709191). However, these types of assays may not accurately represent biological function. This variant is located in the 5' splice region. Computational tools predict a splicing impact, though this information is not predictive enough to determine pathogenicity. This variant is adjacent to an in-frame exon and is more likely to escape nonsense mediated decay (NMD) and result in a truncated protein. In summary, this variant meets criteria to be classified as pathogenic for POMGNT1-associated muscular dystrophy-dystroglycanopathy. ACMG/AMP Criteria applied: PVS1_Moderate, PS3, PM3_VeryStrong (Richards 2015).

Institute of Human Genetics, Univ. Regensburg, Univ. Regensburg
Classification: Pathogenic for Retinal dystrophy. Last evaluated: 2023-01-01. Review status: criteria provided, single submitter. Criteria: ACMG Guidelines, 2015. Collection method: clinical testing. Allele origin: germline. Affected: yes.

GeneDx
Classification: Pathogenic. Last evaluated: 2022-05-03. Review status: criteria provided, single submitter. Criteria: GeneDx Variant Classification Process June 2021. Collection method: clinical testing. Allele origin: germline. Affected: yes.
Comment: The c.1539+1 G>A variant is reported as a common Finnish founder mutation (Diesen et al., 2004); Published functional studies demonstrate a damaging effect as c.1539+1 G>A causes read-through of intronic sequences, resulting in introduction of a premature termination codon (Yoshida et al., 2001); Canonical splice site variant predicted to result in an in-frame deletion of a critical region; Deletions involving coding exons in this gene are frequently reported as pathogenic, regardless of frame prediction (HGMD); This variant is associated with the following publications: (PMID: 15466003, 11709191, 22323514, 23326386, 25525159, 26990548, 29555514, 30961548, 27604308, 31980526, 31589614, 33144682)

MGZ Medical Genetics Center
Classification: Pathogenic for Autosomal recessive limb-girdle muscular dystrophy type 2O. Last evaluated: 2022-04-28. Review status: criteria provided, single submitter. Criteria: ACMG Guidelines, 2015. Collection method: clinical testing. Allele origin: germline. Affected: yes. Observed: 2 variant alleles.
Comment: ACMG criteria applied: PVS1, PS3, PM3

Department of Pathology and Laboratory Medicine, Sinai Health System
Classification: Pathogenic for Muscular dystrophy-dystroglycanopathy (congenital with brain and eye anomalies), type A3; Muscular dystrophy-dystroglycanopathy (congenital with impaired intellectual development), type B, 3; Autosomal recessive limb-girdle muscular dystrophy type 2O. Last evaluated: 2021-10-20. Review status: criteria provided, single submitter. Criteria: ACMG Guidelines, 2015. Collection method: research. Allele origin: germline.

Genome-Nilou Lab
Classification: Pathogenic for Autosomal recessive limb-girdle muscular dystrophy type 2O. Last evaluated: 2021-07-22. Review status: criteria provided, single submitter. Criteria: ACMG Guidelines, 2015. Collection method: clinical testing. Allele origin: germline. Affected: no.

Women's Health and Genetics/Laboratory Corporation of America, LabCorp
Classification: Pathogenic for Limb-girdle muscular dystrophy, autosomal recessive. Last evaluated: 2020-11-27. Review status: criteria provided, single submitter. Criteria: LabCorp Variant Classification Summary - May 2015. Collection method: clinical testing. Allele origin: germline.
Comment: Variant summary: POMGNT1 c.1539+1G>A is located in a canonical splice-site and is predicted to affect mRNA splicing resulting in a significantly altered protein due to either exon skipping, shortening, or inclusion of intronic material. Several computational tools predict a significant impact on normal splicing: Four predict the variant abolishes a 5 splicing donor site. At least one publication reports experimental evidence that this variant affects mRNA splicing and caused skipping of the upstream exon 17 (Predicted effect: p.Leu472_His513del, Yoshida_2001). The variant allele was found at a frequency of 0.00063 in 251850 control chromosomes (gnomAD). This frequency is not higher than expected for a pathogenic variant in POMGNT1 causing Limb-Girdle Muscular Dystrophy, Autosomal Recessive (0.00063 vs 0.0011), allowing no conclusion about variant significance. c.1539+1G>A has been reported in the literature in multiple individuals affected with Muscle-eye-brain disease including homozygotes (Yoshida_2001, ,Taniguchi_2003, Diesen_2004). These data indicate that the variant is very likely to be associated with disease. 11 ClinVar submitters (evaluation after 2014) cite the variant as uncertain significance (1x) and pathogenic (10x). Based on the evidence outlined above, the variant was classified as pathogenic.

Victorian Clinical Genetics Services, Murdoch Childrens Research Institute
Classification: Pathogenic for Myopathy caused by variation in POMGNT1. Last evaluated: 2020-10-19. Review status: criteria provided, single submitter. Criteria: ACMG Guidelines, 2015. Collection method: clinical testing. Allele origin: germline. Inheritance: Autosomal recessive inheritance. Affected: yes.
Comment: Based on the classification scheme VCGS_Germline_v1.3.3, this variant is classified as Pathogenic. Following criteria are met: 0102 - Loss of function is a known mechanism of disease in this gene and is associated with POMGNT-related disorders. (I) 0106 - This gene is associated with autosomal recessive disease. (I) 0209 - Splice site variant proven to affect splicing of the transcript with uncertain effect on protein sequence. RT-RNA analysis has shown this variant causes two aberrant splicing outcomes; a read-through of intronic sequences resulting in a premature stop codon, and exon-skipping leading to an in-frame deletion of 42 amino acids. (PMID: 11709191). (SP) 0251 - This variant is heterozygous. (I) 0304 - Variant is present in gnomAD <0.01 for a recessive condition (v2: 178 heterozygotes, 0 homozygotes). (SP) 0505 - Abnormal splicing is predicted by in silico tools and affected nucleotide is highly conserved. (SP) 0801 - This variant has strong previous evidence of pathogenicity in unrelated individuals with POMGNT1-related disorders (ClinVar; VCGS). (SP) 1208 - Inheritance information for this variant is not currently available in this individual. (I) Legend: (SP) - Supporting pathogenic, (I) - Information, (SB) - Supporting benign

Myriad Genetics, Inc.
Classification: Pathogenic for Muscular dystrophy-dystroglycanopathy (congenital with impaired intellectual development), type B, 3. Last evaluated: 2019-12-09. Review status: criteria provided, single submitter. Criteria: Myriad Women's Health Autosomal Recessive and X-Linked Classification Criteria (2019). Collection method: clinical testing. Allele origin: unknown.
Comment: NM_017739.3(POMGNT1):c.1539+1G>A is classified as pathogenic in the context of POMGNT-related disorders. Sources cited for classification include the following: PMID 15466003 and 11709191. Classification of NM_017739.3(POMGNT1):c.1539+1G>A is based on the following criteria: The variant is located at a canonical splice site, is expected to disrupt gene function and is reported in individuals with the relevant phenotype. Please note: this variant was assessed in the context of healthy population screening.

Centre for Mendelian Genomics, University Medical Centre Ljubljana
Classification: Pathogenic for Autosomal recessive limb-girdle muscular dystrophy type 2O. Last evaluated: 2019-04-09. Review status: criteria provided, single submitter. Criteria: ACMG Guidelines, 2015. Collection method: clinical testing. Allele origin: unknown. Affected: yes.
Comment: This variant was classified as: Pathogenic. The following ACMG criteria were applied in classifying this variant: PVS1,PS1,PM2.

Fulgent Genetics
Classification: Pathogenic for Muscular dystrophy-dystroglycanopathy (congenital with brain and eye anomalies), type A3; Muscular dystrophy-dystroglycanopathy (congenital with impaired intellectual development), type B, 3; Autosomal recessive limb-girdle muscular dystrophy type 2O; Retinitis pigmentosa 76. Last evaluated: 2018-10-31. Review status: criteria provided, single submitter. Criteria: ACMG Guidelines, 2015. Collection method: clinical testing. Allele origin: unknown.

CeGaT Center for Human Genetics Tuebingen
Classification: Pathogenic. Last evaluated: 2018-10-01. Review status: criteria provided, single submitter. Criteria: CeGaT Center For Human Genetics Tuebingen Variant Classification Criteria Version 2. Collection method: clinical testing. Allele origin: germline. Affected: yes. Observed: 4 variant alleles.